The following is an entry in ClinVar:

ClinVar aggregate classification (germline): Uncertain significance (1 of 4 stars; one submission).

Allele frequency attached by ClinVar (database versions not stated): gnomAD exomes 0.00001; ExAC 0.00007; gnomAD 0.00013; TOPMed 0.00016; ESP Exome Variant Server 0.00031.
gnomAD v4.1: 37 of 1,614,026 alleles (0.0023%); highest among the groups gnomAD compares: African/African-American, 0.033%; no homozygotes.

Submission:

GeneDx
Classification: Uncertain significance. Last evaluated: 2026-01-23. Review status: criteria provided, single submitter. Criteria: GeneDx Variant Classification Process June 2021. Collection method: clinical testing. Allele origin: germline.
Comment: In silico analysis suggests that this missense variant does not alter protein structure/function; In silico analysis suggests this variant may impact gene splicing. In the absence of RNA/functional studies, the actual effect of this sequence change is unknown.; Has not been previously published as pathogenic or benign to our knowledge

NM_001353694.2(TIAM1):c.2737G>C (p.Asp913His)

Gene: TIAM1 (TIAM Rac1 associated GEF 1; minus strand). Cytogenetic location: 21q22.11.
Variant type: single nucleotide variant.
Coding change: c.2737G>C on transcript NM_001353694.2 (MANE Select); coding-DNA position 2737, G replaced by C.
Protein change: p.Asp913His; replaces aspartic acid 913 with histidine.
Molecular consequence: missense variant.
Genome position (GRCh38, 1-based): chr21:31,182,571, C>G on the plus strand (G>C on the coding strand, the complement: TIAM1 is on the minus strand). VCF-style: chr21-31182571-C-G. GRCh37 (hg19) VCF-style: chr21-32554888-C-G.
Other names: c.2737G>C, p.Asp913His (NM_001353686.2, NM_001353688.1, NM_001353689.1 and 5 more transcripts); c.2662G>C, p.Asp888His (NM_001353687.2); short protein forms D888H, D913H.
Identifiers: ClinVar variation 3253458 (VCV003253458.2), dbSNP rs149675965.